The following is an entry in ClinVar:

ClinVar aggregate classification (germline): Uncertain significance. Review status: criteria provided, multiple submitters, no conflicts (2 of 4 stars). 5 submissions from 5 submitters: Uncertain significance (4). 1 of the submissions does not count toward it. Last evaluated 2025-12-04.

Conditions:
SLC10A2-related disorder. Also called: SLC10A2-related condition.

Allele frequency attached by ClinVar (database versions not stated): TOPMed 0.00002; ExAC 0.00003; gnomAD 0.00006; ESP Exome Variant Server 0.00008; gnomAD exomes 0.00008.
gnomAD v4.1: 67 of 1,613,592 alleles (0.0042%); highest among the groups gnomAD compares: Middle Eastern, 0.082%; no homozygotes.

Submissions (5):

Mayo Clinic Laboratories, Mayo Clinic
Classification: Uncertain significance. Last evaluated: 2025-12-04. Review status: criteria provided, single submitter. Criteria: ACMG Guidelines, 2015. Collection method: clinical testing. Allele origin: germline. Observed: 1 variant allele.
Comment: PP3_moderate, PM2_supporting

Labcorp Genetics (formerly Invitae), Labcorp
Classification: Uncertain significance. Last evaluated: 2025-11-11. Review status: criteria provided, single submitter. Criteria: Invitae Variant Classification Sherloc (09022015). Collection method: clinical testing. Allele origin: germline.
Comment: This sequence change replaces arginine, which is basic and polar, with glutamine, which is neutral and polar, at codon 256 of the SLC10A2 protein (p.Arg256Gln). This variant is present in population databases (rs201821506, gnomAD 0.02%). This variant has not been reported in the literature in individuals affected with SLC10A2-related conditions. ClinVar contains an entry for this variant (Variation ID: 594444). Invitae Evidence Modeling of protein sequence and biophysical properties (such as structural, functional, and spatial information, amino acid conservation, physicochemical variation, residue mobility, and thermodynamic stability) indicates that this missense variant is expected to disrupt SLC10A2 protein function with a positive predictive value of 80%. In summary, the available evidence is currently insufficient to determine the role of this variant in disease. Therefore, it has been classified as a Variant of Uncertain Significance.

Ambry Genetics
Classification: Uncertain significance. Last evaluated: 2024-03-15. Review status: criteria provided, single submitter. Criteria: Ambry Variant Classification Scheme 2023. Collection method: clinical testing. Allele origin: germline.

Eurofins Ntd Llc (ga)
Classification: Uncertain significance. Last evaluated: 2017-10-09. Review status: criteria provided, single submitter. Criteria: EGL Classification Definitions 2015. Collection method: clinical testing. Allele origin: germline. Observed: 1 variant allele, 1 heterozygote.

PreventionGenetics, part of Exact Sciences
Classification: Uncertain significance for SLC10A2-related condition. Last evaluated: 2024-01-08. Review status: no assertion criteria provided. Collection method: clinical testing. Allele origin: germline. Not counted in ClinVar's aggregate classification.
Comment: The SLC10A2 c.767G>A variant is predicted to result in the amino acid substitution p.Arg256Gln. To our knowledge, this variant has not been reported in the literature. This variant is reported in 0.014% of alleles in individuals of Latino descent in gnomAD. At this time, the clinical significance of this variant is uncertain due to the absence of conclusive functional and genetic evidence.

NM_000452.3(SLC10A2):c.767G>A (p.Arg256Gln)

Gene: SLC10A2 (solute carrier family 10 member 2; minus strand). Cytogenetic location: 13q33.1.
Variant type: single nucleotide variant.
Coding change: c.767G>A on transcript NM_000452.3 (MANE Select); coding-DNA position 767, G replaced by A.
Protein change: p.Arg256Gln; replaces arginine 256 with glutamine.
Molecular consequence: missense variant.
Genome position (GRCh38, 1-based): chr13:103,049,441, C>T on the plus strand (G>A on the coding strand, the complement: SLC10A2 is on the minus strand). VCF-style: chr13-103049441-C-T. GRCh37 (hg19) VCF-style: chr13-103701791-C-T.
Other names: p.Arg256Gln; c.767G>A (NM_000452.2); short protein forms R256Q.
Identifiers: ClinVar variation 594444 (VCV000594444.12), dbSNP rs201821506, ClinGen allele CA7042049.